The following is an entry in ClinVar:

NM_017534.6(MYH2):c.571C>T (p.Arg191Cys)

Genes: MYH2 (myosin heavy chain 2; minus strand), MYHAS (myosin heavy chain gene cluster antisense RNA; plus strand), LOC126862501 (CDK7 strongly-dependent group 2 enhancer GRCh37_chr17:10446256-10447455; plus strand). Cytogenetic location: 17p13.1.
Variant type: single nucleotide variant.
Coding change: c.571C>T on transcript NM_017534.6 (MANE Select); coding-DNA position 571, C replaced by T.
Protein change: p.Arg191Cys; replaces arginine 191 with cysteine.
Molecular consequence: missense variant.
Genome position (GRCh38, 1-based): chr17:10,543,979, G>A on the plus strand (C>T on the coding strand, the complement: MYH2 is on the minus strand). VCF-style: chr17-10543979-G-A. GRCh37 (hg19) VCF-style: chr17-10447296-G-A.
Other names: c.571C>T, p.Arg191Cys (NM_001100112.2); c.571C>T (NM_017534.5); short protein forms R191C.
Identifiers: ClinVar variation 1496684 (VCV001496684.9), dbSNP rs770369215, ClinGen allele CA8391593.
Genomic context (GRCh38, chr17:10,543,979, plus strand): 5'-TAATTTCTTCCTTCTTCTTCTCACCAGTAACTGCAATTGTTGCAAAGTACTGGATGACAC[G>A]CTTGGTGTTCACAGTCTTCCCTGCACCAGATTCTCCACTGTCAAATCAAAACTCAATCAG-3'
Protein context (NP_060004.3, residues 181-201): SGAGKTVNTK[Arg191Cys]VIQYFATIAV

ClinVar aggregate classification (germline): Uncertain significance. Review status: criteria provided, multiple submitters, no conflicts (2 of 4 stars). 2 submissions from 2 submitters: Uncertain significance (2). Last evaluated 2025-01-29.

Conditions:
Inborn genetic diseases. Identifiers: MedGen C0950123, MeSH D030342.
Myopathy, proximal, and ophthalmoplegia (CMYO6). Also called: MYOPATHY WITH CONGENITAL JOINT CONTRACTURES, OPHTHALMOPLEGIA, AND RIMMED VACUOLES; CONGENITAL MYOPATHY 6 WITH OPHTHALMOPLEGIA; INCLUSION BODY MYOPATHY 3, AUTOSOMAL DOMINANT. Identifiers: Orphanet 363677, Orphanet 79091, MedGen C1854106, MONDO:0011577, OMIM 605637.

Allele frequency attached by ClinVar (database versions not stated): ExAC 0.00001; gnomAD 0.00001; gnomAD exomes 0.00001; TOPMed 0.00001.
gnomAD v4.1: 10 of 1,614,010 alleles (0.00062%); highest among the groups gnomAD compares: East Asian, 0.0022%; no homozygotes.

Submissions (2):

Labcorp Genetics (formerly Invitae), Labcorp
Classification: Uncertain significance for Myopathy, proximal, and ophthalmoplegia. Last evaluated: 2025-01-29. Review status: criteria provided, single submitter. Criteria: Invitae Variant Classification Sherloc (09022015). Collection method: clinical testing. Allele origin: germline.
Comment: This sequence change replaces arginine, which is basic and polar, with cysteine, which is neutral and slightly polar, at codon 191 of the MYH2 protein (p.Arg191Cys). This variant is present in population databases (rs770369215, gnomAD 0.006%). This variant has not been reported in the literature in individuals affected with MYH2-related conditions. ClinVar contains an entry for this variant (Variation ID: 1496684). Invitae Evidence Modeling of protein sequence and biophysical properties (such as structural, functional, and spatial information, amino acid conservation, physicochemical variation, residue mobility, and thermodynamic stability) indicates that this missense variant is expected to disrupt MYH2 protein function with a positive predictive value of 80%. In summary, the available evidence is currently insufficient to determine the role of this variant in disease. Therefore, it has been classified as a Variant of Uncertain Significance.

Ambry Genetics
Classification: Uncertain significance for Inborn genetic diseases. Last evaluated: 2024-10-04. Review status: criteria provided, single submitter. Criteria: Ambry Variant Classification Scheme 2023. Collection method: clinical testing. Allele origin: germline.